The following is an entry in ClinVar:

NM_152703.5(SAMD9L):c.66G>C (p.Trp22Cys)

Gene: SAMD9L (sterile alpha motif domain containing 9 like; minus strand). Cytogenetic location: 7q21.2.
Variant type: single nucleotide variant.
Coding change: c.66G>C on transcript NM_152703.5 (MANE Select); coding-DNA position 66, G replaced by C.
Protein change: p.Trp22Cys; replaces tryptophan 22 with cysteine.
Molecular consequence: missense variant.
Genome position (GRCh38, 1-based): chr7:93,135,906, C>G on the plus strand (G>C on the coding strand, the complement: SAMD9L is on the minus strand). VCF-style: chr7-93135906-C-G. GRCh37 (hg19) VCF-style: chr7-92765219-C-G.
Other names: c.66G>C, p.Trp22Cys (NM_001303496.3, NM_001303497.3, NM_001303498.3 and 5 more transcripts); short protein forms W22C.
Identifiers: ClinVar variation 5028860 (VCV005028860.1).

ClinVar aggregate classification (germline): Uncertain significance (1 of 4 stars; one submission).

Conditions:
Inborn genetic diseases. Identifiers: MedGen C0950123, MeSH D030342.

Submission:

Ambry Genetics
Classification: Uncertain significance for Inborn genetic diseases. Last evaluated: 2026-06-28. Review status: criteria provided, single submitter. Criteria: Ambry Variant Classification Scheme 2023. Collection method: clinical testing. Allele origin: germline.
Comment: The p.W22C variant (also known as c.66G>C), located in coding exon 1 of the SAMD9L gene, results from a G to C substitution at nucleotide position 66. The tryptophan at codon 22 is replaced by cysteine, an amino acid with highly dissimilar properties. This amino acid position is conserved. In addition, this alteration is predicted to be deleterious by in silico analysis. Based on the available evidence, the clinical significance of this variant remains unclear.